The following is an entry in ClinVar:

NM_198282.4(STING1):c.256C>T (p.Arg86Trp)

Genes: STING1 (stimulator of interferon response cGAMP interactor 1; minus strand), LOC123522803 (Sharpr-MPRA regulatory region 11914; plus strand). Cytogenetic location: 5q31.2.
Variant type: single nucleotide variant.
Coding change: c.256C>T on transcript NM_198282.4 (MANE Select); coding-DNA position 256, C replaced by T.
Protein change: p.Arg86Trp; replaces arginine 86 with tryptophan.
Molecular consequence: missense variant. On other transcripts: 5 prime UTR variant (1).
Genome position (GRCh38, 1-based): chr5:139,481,314, G>A on the plus strand (C>T on the coding strand, the complement: STING1 is on the minus strand). VCF-style: chr5-139481314-G-A. GRCh37 (hg19) VCF-style: chr5-138860899-G-A.
Other names: c.256C>T, p.Arg86Trp (NM_001301738.2); c.-102C>T (NM_001367258.1); short protein forms R86W.
Identifiers: ClinVar variation 1055607 (VCV001055607.11), dbSNP rs867650202, ClinGen allele CA128748259.

ClinVar aggregate classification (germline): Uncertain significance. Review status: criteria provided, multiple submitters, no conflicts (2 of 4 stars). 2 submissions from 2 submitters: Uncertain significance (2). Last evaluated 2024-12-04.

Conditions:
STING-associated vasculopathy with onset in infancy. Also called: Sting-associated vasculopathy, infantile-onset. Identifiers: Orphanet 425120, MedGen C4014722, MONDO:0014405, OMIM 615934.

Allele frequency attached by ClinVar (database versions not stated): gnomAD exomes 0.00001; gnomAD 0.00001; TOPMed 0.00002.

Submissions (2):

Labcorp Genetics (formerly Invitae), Labcorp
Classification: Uncertain significance for STING-associated vasculopathy with onset in infancy. Last evaluated: 2024-12-04. Review status: criteria provided, single submitter. Criteria: Invitae Variant Classification Sherloc (09022015). Collection method: clinical testing. Allele origin: germline.
Comment: This sequence change replaces arginine, which is basic and polar, with tryptophan, which is neutral and slightly polar, at codon 86 of the TMEM173 protein (p.Arg86Trp). The frequency data for this variant in the population databases is considered unreliable, as metrics indicate poor data quality at this position in the gnomAD database. This variant has not been reported in the literature in individuals affected with TMEM173-related conditions. ClinVar contains an entry for this variant (Variation ID: 1055607). Invitae Evidence Modeling of protein sequence and biophysical properties (such as structural, functional, and spatial information, amino acid conservation, physicochemical variation, residue mobility, and thermodynamic stability) indicates that this missense variant is not expected to disrupt TMEM173 protein function with a negative predictive value of 80%. In summary, the available evidence is currently insufficient to determine the role of this variant in disease. Therefore, it has been classified as a Variant of Uncertain Significance.

Breakthrough Genomics
Classification: Uncertain significance. Review status: criteria provided, single submitter. Criteria: ACMG Guidelines, 2015. Collection method: not provided. Allele origin: germline. Inheritance: Autosomal dominant inheritance. Affected: yes.